The following is an entry in ClinVar:

ClinVar aggregate classification (germline): Pathogenic (1 of 4 stars; one submission).

Conditions:
T-B+ severe combined immunodeficiency due to JAK3 deficiency. Also called: SCID, T CELL-NEGATIVE, B CELL-POSITIVE, NK CELL-NEGATIVE; SCID, autosomal recessive, T-negative/B-positive type. Identifiers: Orphanet 35078, MedGen C1833275, MONDO:0010938, OMIM 600802.

Submission:

Labcorp Genetics (formerly Invitae), Labcorp
Classification: Pathogenic for T-B+ severe combined immunodeficiency due to JAK3 deficiency. Last evaluated: 2021-10-09. Review status: criteria provided, single submitter. Criteria: Invitae Variant Classification Sherloc (09022015). Collection method: clinical testing. Allele origin: germline.
Comment: For these reasons, this variant has been classified as Pathogenic. This variant disrupts a region of the JAK3 protein in which other variant(s) (p.Phe1004del) have been determined to be pathogenic (PMID: 18845095, 33040328). This suggests that this is a clinically significant region of the protein, and that variants that disrupt it are likely to be disease-causing. This variant has not been reported in the literature in individuals affected with JAK3-related conditions. This variant is a gross deletion of the genomic region encompassing exon(s) 18-23 of the JAK3 gene. While this deletion is not anticipated to lead to nonsense mediated decay, it is expected to disrupt the C-terminus of the protein.

Literature cited by the submitters: PubMed 18845095; PubMed 33040328.

NC_000019.9:g.(?_17940897)_(17943758_?)del

Gene: JAK3 (Janus kinase 3; minus strand). Cytogenetic location: 19p13.11.
Variant type: Deletion.
Identifiers: ClinVar variation 1390045 (VCV001390045.4).